The following is an entry in ClinVar:

NM_024740.2(ALG9):c.1687GAA[1] (p.Glu564del)

Gene: ALG9 (ALG9 alpha-1,2-mannosyltransferase; minus strand). Cytogenetic location: 11q23.1.
Variant type: Microsatellite.
Coding change: c.1687GAA[1] on transcript NM_024740.2 (MANE Select); one copy of the 3-base unit GAA starting at c.1687; the reference has two copies in a row; one copy, 3 bases deleted; also written c.1690_1692del.
Protein change: p.Glu564del; deletes glutamic acid 564.
Molecular consequence: inframe deletion. On other transcripts: non-coding transcript variant (1).
Genome position (GRCh38, 1-based): chr11:111,809,684-111,809,686, TTC deleted on the plus strand (GAA on the coding strand, the reverse complement: ALG9 is on the minus strand); deleting any 3 consecutive bases within chr11:111,809,684-111,809,691 gives the same sequence; the position shown is the placement nearest the transcript's 3' end. VCF-style (leftmost placement, unchanged base first): chr11-111809683-ATTC-A. GRCh37 (hg19) VCF-style: chr11-111680407-ATTC-A.
Other names: c.1666GAA[1], p.Glu557del (NM_001077690.1, NM_001352417.1, NM_001441205.1); c.1174GAA[1], p.Glu393del (NM_001077691.2, NM_001352413.1, NM_001352414.2 and 1 more transcripts); c.1153GAA[1], p.Glu386del (NM_001077692.2, NM_001352409.1, NM_001352410.1 and 6 more transcripts); c.1543GAA[1], p.Glu516del (NM_001352418.1); c.1078GAA[1], p.Glu361del (NM_001352422.2); c.1030GAA[1], p.Glu345del (NM_001352423.2); c.1687GAA[1], p.Glu564del (NM_001441203.1, NM_001441204.1); c.1564GAA[1], p.Glu523del (NM_001441206.1); and 1 more; short protein forms E361del, E393del, E516del, E345del, E557del, E386del, E523del, E564del.
Identifiers: ClinVar variation 5007777 (VCV005007777.2).
Genomic context (GRCh38, chr11:111,809,683, plus strand): 5'-ATAGGATTAAAGCCACATACCTAGAAGCATCAAGGAATGGTCTATAGGCCAAGCTGATCC[ATTC>A]TTCTTTATTGGATGAATATTTTGGCTCCCGGGGTGTTTCTCTCATGGTGTCCAAATCCAC-3'

ClinVar aggregate classification (germline): Uncertain significance (1 of 4 stars; one submission).

Conditions:
Gillessen-Kaesbach-Nishimura syndrome (GIKANIS). Identifiers: MedGen C1849762, MONDO:0009890, OMIM 263210.
ALG9 congenital disorder of glycosylation (CDG1L). Also called: ALG9-CDG; CDG Il; CONGENITAL DISORDER OF GLYCOSYLATION, TYPE Il. Identifiers: Orphanet 79328, MedGen C2931006, MONDO:0012117, OMIM 608776.

Submission:

Juno Genomics, Hangzhou Juno Genomics, Inc
Classification: Uncertain significance for ALG9 congenital disorder of glycosylation; Gillessen-Kaesbach-Nishimura syndrome. Review status: criteria provided, single submitter. Criteria: ACMG Guidelines, 2015. Collection method: clinical testing. Allele origin: germline.
Comment: Absent from controls (or at extremely low frequency if recessive) in Genome Aggregation Database.;Protein length changes due to in-frame deletions/insertions in a non-repeat region or stop-loss variants.